The following is an entry in ClinVar:

ClinVar aggregate classification (germline): Pathogenic (1 of 4 stars; one submission).

Conditions:
Melnick-Fraser syndrome (BOR). Also called: Branchiootorenal syndrome; Branchiootorenal Syndrome (BORS); Branchio-oto-renal syndrome. Identifiers: Orphanet 107, MedGen C0265234, MONDO:0007029.

Submission:

Victorian Clinical Genetics Services, Murdoch Childrens Research Institute
Classification: Pathogenic for Melnick-Fraser syndrome. Last evaluated: 2026-05-05. Review status: criteria provided, single submitter. Criteria: ACMG Guidelines, 2015. Collection method: clinical testing. Allele origin: germline. Affected: yes.
Comment: This variant is classified as Pathogenic. Evidence in support of pathogenic classification: Variant is predicted to cause nonsense-mediated decay (NMD) and loss of protein (premature termination codon is located at least 54 nucleotides upstream of the final exon-exon junction); Variant is absent from gnomAD (v2, v3 and v4); Other NMD-predicted variant(s) comparable to the one identified in this case have very strong previous evidence for pathogenicity (DECIPHER); Additional information: This variant is heterozygous; This gene is associated with autosomal dominant disease; This variant has no previous evidence of pathogenicity; No published evidence of segregation with disease has been identified for this variant; No published functional evidence has been identified for this variant; Loss of function is a known mechanism of disease in this gene and is associated with branchio-oto-renal syndrome (MONDO:0007029).

NM_000503.6(EYA1):c.1568del (p.Ile523fs)

Gene: EYA1 (EYA transcriptional coactivator and phosphatase 1; minus strand). Cytogenetic location: 8q13.3.
Variant type: Deletion.
Coding change: c.1568del on transcript NM_000503.6 (MANE Select); coding-DNA position 1568, one base deleted (T; older notation c.1568delT).
Protein change: p.Ile523fs; shifts the reading frame from isoleucine 523.
Molecular consequence: frameshift variant.
Genome position (GRCh38, 1-based): chr8:71,215,416, A deleted on the plus strand (T on the coding strand, the reverse complement: EYA1 is on the minus strand). VCF-style (leftmost placement, unchanged base first): chr8-71215415-TA-T. GRCh37 (hg19) VCF-style: chr8-72127650-TA-T.
Other names: c.1550del, p.Ile517fs (NM_001288574.2, NM_172059.5); c.1202del, p.Ile401fs (NM_001288575.2); c.1655del, p.Ile552fs (NM_001370333.1); c.1568del, p.Ile523fs (NM_001370334.1, NM_001370335.1, NM_172058.4); c.1547del, p.Ile516fs (NM_001370336.1); c.1469del, p.Ile490fs (NM_001411797.1, NM_172060.4); short protein forms I401fs, I490fs, I516fs, I517fs, I523fs, I552fs.
Identifiers: ClinVar variation 4879825 (VCV004879825.1).